The following is an entry in ClinVar:

NM_025099.6(CTC1):c.3583C>T (p.Arg1195Ter)

Gene: CTC1 (CST telomere replication complex component 1; minus strand). Cytogenetic location: 17p13.1.
Variant type: single nucleotide variant.
Coding change: c.3583C>T on transcript NM_025099.6 (MANE Select); coding-DNA position 3583, C replaced by T.
Protein change: p.Arg1195Ter; replaces arginine 1195 with a stop codon.
Molecular consequence: nonsense. On other transcripts: non-coding transcript variant (1).
Genome position (GRCh38, 1-based): chr17:8,228,251, G>A on the plus strand (C>T on the coding strand, the complement: CTC1 is on the minus strand). VCF-style: chr17-8228251-G-A. GRCh37 (hg19) VCF-style: chr17-8131569-G-A.
Other names: c.3583C>T (NM_025099.5); short protein forms R1195*.
Identifiers: ClinVar variation 31003 (VCV000031003.5), dbSNP rs199473682, ClinGen allele CA129615.
Genomic context (GRCh38, chr17:8,228,251, plus strand): 5'-AAGCAAGGATCCCCAGAGAGCTGGAGTACTCTGACTCTCGGATAGAAAGGCAGGACAATC[G>A]GAGCCTGGGGTTCACGTGAGTCAGGAAAGGGAGCTCTCCACACTGGAATCGCTGTAGCCG-3'

ClinVar aggregate classification (germline): Pathogenic/Likely pathogenic. Review status: criteria provided, multiple submitters, no conflicts (2 of 4 stars). 3 submissions from 3 submitters: Pathogenic (1); Likely pathogenic (1). 1 of the submissions does not count toward it. Last evaluated 2023-11-19.

Conditions:
Cerebroretinal microangiopathy with calcifications and cysts 1 (CRMCC1). Identifiers: Orphanet 313838, MedGen C4552029, MONDO:0024564, OMIM 612199.
Dyskeratosis congenita. Identifiers: Orphanet 1775, MedGen C0265965, MONDO:0015780.

Allele frequency attached by ClinVar (database versions not stated): gnomAD exomes 0.00001.

Submissions (3):

GeneDx
Classification: Pathogenic. Last evaluated: 2023-11-19. Review status: criteria provided, single submitter. Criteria: GeneDx Variant Classification Process June 2021. Collection method: clinical testing. Allele origin: germline. Affected: yes.
Comment: Nonsense variant predicted to result in protein truncation, as the last 23 amino acids are lost, and other loss-of-function variants have been reported downstream in HGMD; Published functional studies demonstrate a damaging effect, including significantly impaired CTC1 function and shortened telomere length (PMID: 23869908); Not observed at significant frequency in large population cohorts (gnomAD); This variant is associated with the following publications: (PMID: 22387016, 23869908)

Labcorp Genetics (formerly Invitae), Labcorp
Classification: Likely pathogenic for Dyskeratosis congenita. Last evaluated: 2023-11-03. Review status: criteria provided, single submitter. Criteria: Invitae Variant Classification Sherloc (09022015). Collection method: clinical testing. Allele origin: germline.
Comment: This sequence change creates a premature translational stop signal (p.Arg1195*) in the CTC1 gene. While this is not anticipated to result in nonsense mediated decay, it is expected to disrupt the last 23 amino acid(s) of the CTC1 protein. This variant is not present in population databases (gnomAD no frequency). This premature translational stop signal has been observed in individual(s) with cerebral microangiopathy with calcifications and cysts (PMID: 22387016). In at least one individual the data is consistent with being in trans (on the opposite chromosome) from a pathogenic variant. This variant is also known as R1190*. ClinVar contains an entry for this variant (Variation ID: 31003). Algorithms developed to predict the effect of variants on protein structure and function are not available or were not evaluated for this variant. Experimental studies have shown that this premature translational stop signal affects CTC1 function (PMID: 23869908). In summary, the currently available evidence indicates that the variant is pathogenic, but additional data are needed to prove that conclusively. Therefore, this variant has been classified as Likely Pathogenic.

OMIM
Classification: Pathogenic for CEREBRORETINAL MICROANGIOPATHY WITH CALCIFICATIONS AND CYSTS 1. Last evaluated: 2012-03-09. Review status: no assertion criteria provided. Collection method: literature only. Allele origin: germline. Not counted in ClinVar's aggregate classification.

Literature cited by the submitters: PubMed 22387016 (cited by Labcorp Genetics (formerly Invitae), Labcorp and OMIM); PubMed 23869908 (cited by Labcorp Genetics (formerly Invitae), Labcorp).